The following is an entry in ClinVar:

ClinVar aggregate classification (germline): Uncertain significance (1 of 4 stars; one submission).

Conditions:
Familial temporal lobe epilepsy 7. Identifiers: Orphanet 101046, MedGen C4225327, MONDO:0014639, OMIM 616436.
Norman-Roberts syndrome (LIS2). Also called: Lissencephaly 2 (Norman-Roberts type). Identifiers: Orphanet 89844, MedGen C0796089, MONDO:0009760, OMIM 257320.

Allele frequency attached by ClinVar (database versions not stated): gnomAD exomes below 0.00001; TOPMed below 0.00001.
gnomAD v4.1: 1 of 1,614,092 alleles (0.000062%); highest among the groups gnomAD compares: Admixed American, 0.0017%; no homozygotes.

Submission:

Labcorp Genetics (formerly Invitae), Labcorp
Classification: Uncertain significance for Familial temporal lobe epilepsy 7; Norman-Roberts syndrome. Last evaluated: 2022-02-04. Review status: criteria provided, single submitter. Criteria: Invitae Variant Classification Sherloc (09022015). Collection method: clinical testing. Allele origin: germline.
Comment: In summary, the available evidence is currently insufficient to determine the role of this variant in disease. Therefore, it has been classified as a Variant of Uncertain Significance. Algorithms developed to predict the effect of missense changes on protein structure and function are either unavailable or do not agree on the potential impact of this missense change (SIFT: "Tolerated"; PolyPhen-2: "Probably Damaging"; Align-GVGD: "Class C0"). ClinVar contains an entry for this variant (Variation ID: 580372). This variant has not been reported in the literature in individuals affected with RELN-related conditions. This variant is present in population databases (no rsID available, gnomAD 0.003%). This sequence change replaces aspartic acid, which is acidic and polar, with asparagine, which is neutral and polar, at codon 1693 of the RELN protein (p.Asp1693Asn).

NM_005045.4(RELN):c.5077G>A (p.Asp1693Asn)

Gene: RELN (reelin; minus strand). Cytogenetic location: 7q22.1.
Variant type: single nucleotide variant.
Coding change: c.5077G>A on transcript NM_005045.4 (MANE Select); coding-DNA position 5077, G replaced by A.
Protein change: p.Asp1693Asn; replaces aspartic acid 1693 with asparagine.
Molecular consequence: missense variant.
Genome position (GRCh38, 1-based): chr7:103,565,411, C>T on the plus strand (G>A on the coding strand, the complement: RELN is on the minus strand). VCF-style: chr7-103565411-C-T. GRCh37 (hg19) VCF-style: chr7-103205858-C-T.
Other names: c.5077G>A, p.Asp1693Asn (NM_173054.3); short protein forms D1693N.
Identifiers: ClinVar variation 580372 (VCV000580372.8), dbSNP rs1487716758, ClinGen allele CA368746160.